The following is an entry in ClinVar:

NC_000023.10:g.(?_129290415)_(129290597_?)dup

Gene: AIFM1 (apoptosis inducing factor mitochondria associated 1; minus strand). Cytogenetic location: Xq26.1.
Variant type: Duplication.
Identifiers: ClinVar variation 3245679 (VCV003245679.1).

ClinVar aggregate classification (germline): Uncertain significance (1 of 4 stars; one submission).

Conditions:
Combined oxidative phosphorylation deficiency. Identifiers: MedGen C4540031, MONDO:0000732.
Charcot-Marie-Tooth Neuropathy X. Identifiers: MedGen CN118851.

Submission:

Labcorp Genetics (formerly Invitae), Labcorp
Classification: Uncertain significance for Charcot-Marie-Tooth Neuropathy X; Combined oxidative phosphorylation deficiency. Last evaluated: 2022-11-23. Review status: criteria provided, single submitter. Criteria: Invitae Variant Classification Sherloc (09022015). Collection method: clinical testing. Allele origin: unknown.
Comment: In summary, the available evidence is currently insufficient to determine the role of this variant in disease. Therefore, it has been classified as a Variant of Uncertain Significance. This variant has not been reported in the literature in individuals affected with AIFM1-related conditions. This variant results in a copy number gain of the genomic region encompassing exon(s) 2 of the AIFM1 gene. While the exact position of this variant cannot be determined from the data, sub-genic copy number gains are generally in tandem (PMID: 25640679). This variant is predicted to be out-of-frame, and may result in an absent or disrupted protein product. However, the current clinical and genetic evidence is not sufficient to establish whether loss-of-function variants in AIFM1 cause disease.

Literature cited by the submitters: PubMed 25640679.